The following is an entry in ClinVar:

ClinVar aggregate classification (germline): Uncertain significance (1 of 4 stars; one submission).

Submission:

ISCA site 14
Classification: Uncertain significance. Last evaluated: 2011-08-12. Review status: criteria provided, single submitter. Criteria: Kaminsky et al. (Genet Med. 2011). Collection method: clinical testing. Allele origin: de novo. Affected: yes. Observed: 1 variant allele.
Comment: Copy number variation identified through the course of routine clinical cytogenomic testing in postnatal populations. Clinical assertions have been curated as described in Kaminsky et al. 2011.

GRCh38/hg38 8q24.13(chr8:124377953-124575712)x1

Genes: MIR6844 (microRNA 6844; minus strand), MTSS1 (MTSS I-BAR domain containing 1; minus strand), NDUFB9 (NADH:ubiquinone oxidoreductase subunit B9; plus strand), RNF139 (ring finger protein 139; plus strand), RNF139-DT (RNF139 divergent transcript; minus strand) and 8 more. Cytogenetic location: 8q24.13.
Variant type: copy number loss.
Change: copy number 1 (one copy instead of two) of chr8:124,377,953-124,575,712 (197.8 kb, GRCh38 coordinates, 1-based), cytogenetic band 8q24.13.
Identifiers: ClinVar variation 58997 (VCV000058997.1).